The following is an entry in ClinVar:

NM_004260.4(RECQL4):c.2977G>C (p.Val993Leu)

Gene: RECQL4 (RecQ like helicase 4; minus strand). Cytogenetic location: 8q24.3.
Variant type: single nucleotide variant.
Coding change: c.2977G>C on transcript NM_004260.4 (MANE Select); coding-DNA position 2977, G replaced by C.
Protein change: p.Val993Leu; replaces valine 993 with leucine.
Molecular consequence: missense variant. On other transcripts: non-coding transcript variant (3).
Genome position (GRCh38, 1-based): chr8:144,512,470, C>G on the plus strand (G>C on the coding strand, the complement: RECQL4 is on the minus strand). VCF-style: chr8-144512470-C-G. GRCh37 (hg19) VCF-style: chr8-145737853-C-G.
Other names: c.2683G>C, p.Val895Leu (NM_001413017.1); c.2779G>C, p.Val927Leu (NM_001413018.1); c.3052G>C, p.Val1018Leu (NM_001413019.1); c.2881G>C, p.Val961Leu (NM_001413020.1); c.1906G>C, p.Val636Leu (NM_001413021.1, NM_001413022.1, NM_001413024.1 and 4 more transcripts); c.1981G>C, p.Val661Leu (NM_001413023.1); c.2848G>C, p.Val950Leu (NM_001413025.1); c.1840G>C, p.Val614Leu (NM_001413027.1, NM_001413030.1, NM_001413032.1); and 9 more; short protein forms V1018L, V961L, V570L, V614L, V950L, V639L, V661L, V876L.
Identifiers: ClinVar variation 3788007 (VCV003788007.1).
Genomic context (GRCh38, chr8:144,512,470, plus strand): 5'-CCCACTGCAGCTGGCAGAGAGCCCGCCGCACAGAGGCCAGCTCCCAGCCCATGGAGTCCA[C>G]CAGCTTGACCATGTCAAACTCCACGGAGCTGCTGCCTTGCCCTGGGTCCTCAGGCAGCTG-3'
Protein context (NP_004251.4, residues 983-1003): SSVEFDMVKL[Val993Leu]DSMGWELASV

ClinVar aggregate classification (germline): Uncertain significance (1 of 4 stars; one submission).

Conditions:
Inborn genetic diseases. Identifiers: MedGen C0950123, MeSH D030342.

Submission:

Ambry Genetics
Classification: Uncertain significance for Inborn genetic diseases. Last evaluated: 2025-01-23. Review status: criteria provided, single submitter. Criteria: Ambry Variant Classification Scheme 2023. Collection method: clinical testing. Allele origin: germline.
Comment: The p.V993L variant (also known as c.2977G>C), located in coding exon 17 of the RECQL4 gene, results from a G to C substitution at nucleotide position 2977. The valine at codon 993 is replaced by leucine, an amino acid with highly similar properties. This amino acid position is conserved. Based on the available evidence, the clinical significance of this variant remains unclear.